The following is an entry in ClinVar:

ClinVar aggregate classification (germline): Uncertain significance (1 of 4 stars; one submission).

Conditions:
Familial meningioma. Also called: Meningioma, familial, susceptibility to. Identifiers: Orphanet 263662, MedGen C3551915, MONDO:0011789, OMIM 607174.

Submission:

Labcorp Genetics (formerly Invitae), Labcorp
Classification: Uncertain significance for Familial meningioma. Last evaluated: 2021-05-08. Review status: criteria provided, single submitter. Criteria: Invitae Variant Classification Sherloc (09022015). Collection method: clinical testing. Allele origin: germline.
Comment: In summary, the available evidence is currently insufficient to determine the role of this variant in disease. Therefore, it has been classified as a Variant of Uncertain Significance. Algorithms developed to predict the effect of missense changes on protein structure and function are either unavailable or do not agree on the potential impact of this missense change (SIFT: "Tolerated"; PolyPhen-2: "Possibly Damaging"; Align-GVGD: "Class C0"). This variant has not been reported in the literature in individuals with SMARCE1-related conditions. This variant is not present in population databases (ExAC no frequency). This sequence change replaces alanine with valine at codon 176 of the SMARCE1 protein (p.Ala176Val). The alanine residue is highly conserved and there is a small physicochemical difference between alanine and valine.

NM_003079.5(SMARCE1):c.527C>T (p.Ala176Val)

Gene: SMARCE1 (SWI/SNF related BAF chromatin remodeling complex subunit E1; minus strand). Cytogenetic location: 17q21.2.
Variant type: single nucleotide variant.
Coding change: c.527C>T on transcript NM_003079.5 (MANE Select); coding-DNA position 527, C replaced by T.
Protein change: p.Ala176Val; replaces alanine 176 with valine.
Molecular consequence: missense variant.
Genome position (GRCh38, 1-based): chr17:40,635,945, G>A on the plus strand (C>T on the coding strand, the complement: SMARCE1 is on the minus strand). VCF-style: chr17-40635945-G-A. GRCh37 (hg19) VCF-style: chr17-38792197-G-A.
Other names: short protein forms A176V.
Identifiers: ClinVar variation 1393980 (VCV001393980.8), dbSNP rs2143995982, ClinGen allele CA399366228.